The following is an entry in ClinVar:

NM_001199138.2(NLRC4):c.2309T>G (p.Met770Arg)

Gene: NLRC4 (NLR family CARD domain containing 4; minus strand). Cytogenetic location: 2p22.3.
Variant type: single nucleotide variant.
Coding change: c.2309T>G on transcript NM_001199138.2 (MANE Select); coding-DNA position 2309, T replaced by G.
Protein change: p.Met770Arg; replaces methionine 770 with arginine.
Molecular consequence: missense variant.
Genome position (GRCh38, 1-based): chr2:32,241,074, A>C on the plus strand (T>G on the coding strand, the complement: NLRC4 is on the minus strand). VCF-style: chr2-32241074-A-C. GRCh37 (hg19) VCF-style: chr2-32466143-A-C.
Other names: c.2309T>G, p.Met770Arg (NM_001199139.2, NM_021209.5); c.314T>G, p.Met105Arg (NM_001302504.2); short protein forms M105R, M770R.
Identifiers: ClinVar variation 2942858 (VCV002942858.3), dbSNP rs1264574917, ClinGen allele CA346510099.

ClinVar aggregate classification (germline): Uncertain significance (1 of 4 stars; one submission).

Conditions:
Periodic fever-infantile enterocolitis-autoinflammatory syndrome. Also called: Autoinflammation with infantile enterocolitis. Identifiers: Orphanet 436166, MedGen C4015067, MONDO:0014472, OMIM 616050.
Familial cold autoinflammatory syndrome 4 (FCAS4). Identifiers: Orphanet 47045, Orphanet 576349, MedGen C4015276, MONDO:0014498, OMIM 616115.

Submission:

Labcorp Genetics (formerly Invitae), Labcorp
Classification: Uncertain significance for Periodic fever-infantile enterocolitis-autoinflammatory syndrome; Familial cold autoinflammatory syndrome 4. Last evaluated: 2022-12-31. Review status: criteria provided, single submitter. Criteria: Invitae Variant Classification Sherloc (09022015). Collection method: clinical testing. Allele origin: germline.
Comment: This variant is not present in population databases (gnomAD no frequency). This sequence change replaces methionine, which is neutral and non-polar, with arginine, which is basic and polar, at codon 770 of the NLRC4 protein (p.Met770Arg). This variant has not been reported in the literature in individuals affected with NLRC4-related conditions. Advanced modeling of protein sequence and biophysical properties (such as structural, functional, and spatial information, amino acid conservation, physicochemical variation, residue mobility, and thermodynamic stability) performed at Invitae indicates that this missense variant is not expected to disrupt NLRC4 protein function. In summary, the available evidence is currently insufficient to determine the role of this variant in disease. Therefore, it has been classified as a Variant of Uncertain Significance.